The following is an entry in ClinVar:

ClinVar aggregate classification (germline): Benign. Review status: criteria provided, multiple submitters, no conflicts (2 of 4 stars). 5 submissions from 5 submitters: Benign (5). Last evaluated 2026-02-04.

Conditions:
Fibrous dysplasia of jaw (CRBM). Also called: Cherubism. Identifiers: Orphanet 184, MedGen C0008029, MONDO:0007315, OMIM 118400.

Allele frequency attached by ClinVar (database versions not stated): 1000 Genomes Project 30x 0.00578; 1000 Genomes Project 0.00639; ExAC 0.01378; gnomAD exomes 0.01432 and 0.02206; TOPMed 0.01509; gnomAD 0.01565 and 0.01605; ESP Exome Variant Server 0.01961.
gnomAD v4.1: 34,305 of 1,613,440 alleles (2.1%); highest among the groups gnomAD compares: Non-Finnish European, 2.6%; 463 homozygotes.

Submissions (5):

Labcorp Genetics (formerly Invitae), Labcorp
Classification: Benign for Fibrous dysplasia of jaw. Last evaluated: 2026-02-04. Review status: criteria provided, single submitter. Criteria: Invitae Variant Classification Sherloc (09022015). Collection method: clinical testing. Allele origin: germline.

Women's Health and Genetics/Laboratory Corporation of America, LabCorp
Classification: Benign. Last evaluated: 2026-01-22. Review status: criteria provided, single submitter. Criteria: LabCorp Variant Classification Summary - May 2015. Collection method: clinical testing. Allele origin: germline.

Mayo Clinic Laboratories, Mayo Clinic
Classification: Benign. Last evaluated: 2023-02-24. Review status: criteria provided, single submitter. Criteria: ACMG Guidelines, 2015. Collection method: clinical testing. Allele origin: germline. Observed: 40 variant alleles.
Comment: BS1, BS2

Illumina Laboratory Services, Illumina
Classification: Benign for Fibrous dysplasia of jaw. Last evaluated: 2018-01-13. Review status: criteria provided, single submitter. Criteria: ICSL Variant Classification Criteria 13 December 2019. Collection method: clinical testing. Allele origin: germline.
Comment: This variant was observed in the ICSL laboratory as part of a predisposition screen in an ostensibly healthy population. It had not been previously curated by ICSL or reported in the Human Gene Mutation Database (HGMD: prior to June 1st, 2018), and was therefore a candidate for classification through an automated scoring system. Utilizing variant allele frequency, disease prevalence and penetrance estimates, and inheritance mode, an automated score was calculated to assess if this variant is too frequent to cause the disease. Based on the score and internal cut-off values, a variant classified as benign is not then subjected to further curation. The score for this variant resulted in a classification of benign for this disease.

Breakthrough Genomics
Classification: Benign. Review status: criteria provided, single submitter. Criteria: ACMG Guidelines, 2015. Collection method: not provided. Allele origin: germline. Inheritance: Autosomal dominant inheritance. Affected: yes.

NM_001122681.2(SH3BP2):c.276C>T (p.Asn92=)

Gene: SH3BP2 (SH3 domain binding protein 2; plus strand). Cytogenetic location: 4p16.3.
Variant type: single nucleotide variant.
Coding change: c.276C>T on transcript NM_001122681.2 (MANE Select); coding-DNA position 276, C replaced by T.
Protein change: p.Asn92=; no amino-acid change (asparagine 92 retained).
Molecular consequence: synonymous variant.
Genome position (GRCh38, 1-based): chr4:2,824,649, C>T. VCF-style: chr4-2824649-C-T. GRCh37 (hg19) VCF-style: chr4-2826376-C-T.
Other names: p.Asn92=; c.360C>T, p.Asn120= (NM_001145855.2, LRG_1334t2); c.447C>T, p.Asn149= (NM_001145856.2); c.276C>T, p.Asn92= (NM_003023.4, LRG_1334t1).
Identifiers: ClinVar variation 348569 (VCV000348569.17), dbSNP rs140326137, ClinGen allele CA2818995.